The following is an entry in ClinVar:

ClinVar aggregate classification (germline): Uncertain significance. Review status: criteria provided, multiple submitters, no conflicts (2 of 4 stars). 3 submissions from 3 submitters: Uncertain significance (3). Last evaluated 2025-11-06.

Allele frequency attached by ClinVar (database versions not stated): gnomAD exomes 0.00001.
gnomAD v4.1: 13 of 1,612,792 alleles (0.00081%); highest among the groups gnomAD compares: Non-Finnish European, 0.0011%; no homozygotes.

Submissions (3):

Labcorp Genetics (formerly Invitae), Labcorp
Classification: Uncertain significance. Last evaluated: 2025-11-06. Review status: criteria provided, single submitter. Criteria: Invitae Variant Classification Sherloc (09022015). Collection method: clinical testing. Allele origin: germline.
Comment: This sequence change replaces valine, which is neutral and non-polar, with methionine, which is neutral and non-polar, at codon 525 of the TNNI3K protein (p.Val525Met). This variant is not present in population databases (gnomAD no frequency). This variant has not been reported in the literature in individuals affected with TNNI3K-related conditions. ClinVar contains an entry for this variant (Variation ID: 636905). Invitae Evidence Modeling of protein sequence and biophysical properties (such as structural, functional, and spatial information, amino acid conservation, physicochemical variation, residue mobility, and thermodynamic stability) indicates that this missense variant is not expected to disrupt TNNI3K protein function with a negative predictive value of 80%. In summary, the available evidence is currently insufficient to determine the role of this variant in disease. Therefore, it has been classified as a Variant of Uncertain Significance.

GeneDx
Classification: Uncertain significance. Last evaluated: 2025-07-31. Review status: criteria provided, single submitter. Criteria: GeneDx Variant Classification Process June 2021. Collection method: clinical testing. Allele origin: germline. Affected: yes.
Comment: Not observed at significant frequency in large population cohorts (gnomAD); In silico analysis suggests that this missense variant does not alter protein structure/function; Has not been previously published as pathogenic or benign to our knowledge

Blueprint Genetics
Classification: Uncertain significance. Last evaluated: 2018-12-27. Review status: criteria provided, single submitter. Criteria: ACMG Guidelines, 2015. Collection method: clinical testing. Allele origin: germline.

NM_015978.3(TNNI3K):c.1573G>A (p.Val525Met)

Genes: FPGT-TNNI3K (FPGT-TNNI3K readthrough; plus strand), TNNI3K (TNNI3 interacting kinase; plus strand). Cytogenetic location: 1p31.1.
Variant type: single nucleotide variant.
Coding change: c.1573G>A on transcript NM_015978.3 (MANE Select); coding-DNA position 1573, G replaced by A.
Protein change: p.Val525Met; replaces valine 525 with methionine.
Molecular consequence: missense variant.
Genome position (GRCh38, 1-based): chr1:74,369,491, G>A. VCF-style: chr1-74369491-G-A. GRCh37 (hg19) VCF-style: chr1-74835175-G-A.
Other names: c.1876G>A, p.Val626Met (NM_001112808.3, NM_001199327.2); short protein forms V525M, V626M.
Identifiers: ClinVar variation 636905 (VCV000636905.5), dbSNP rs1570533856, ClinGen allele CA340786269.